The following is an entry in ClinVar:

NM_005609.4(PYGM):c.776A>G (p.Asn259Ser)

Gene: PYGM (glycogen phosphorylase, muscle associated; minus strand). Cytogenetic location: 11q13.1.
Variant type: single nucleotide variant.
Coding change: c.776A>G on transcript NM_005609.4 (MANE Select); coding-DNA position 776, A replaced by G.
Protein change: p.Asn259Ser; replaces asparagine 259 with serine.
Molecular consequence: missense variant.
Genome position (GRCh38, 1-based): chr11:64,755,352, T>C on the plus strand (A>G on the coding strand, the complement: PYGM is on the minus strand). VCF-style: chr11-64755352-T-C. GRCh37 (hg19) VCF-style: chr11-64522824-T-C.
Other names: c.512A>G, p.Asn171Ser (NM_001164716.1); short protein forms N259S, N171S.
Identifiers: ClinVar variation 451964 (VCV000451964.12), dbSNP rs115690781, ClinGen allele CA6080114.

ClinVar aggregate classification (germline): Uncertain significance. Review status: criteria provided, multiple submitters, no conflicts (2 of 4 stars). 6 submissions from 6 submitters: Uncertain significance (5). 1 of the submissions does not count toward it. Last evaluated 2024-07-04.

Conditions:
Glycogen storage disease, type V (GSD5). Also called: McArdle type glycogen storage disease; MCARDLE DISEASE; MUSCLE GLYCOGEN PHOSPHORYLASE DEFICIENCY; MYOPHOSPHORYLASE DEFICIENCY; PYGM DEFICIENCY. Identifiers: Orphanet 368, MedGen C0017924, MONDO:0009293, OMIM 232600.

Allele frequency attached by ClinVar (database versions not stated): TOPMed 0.00006; ExAC 0.00008; ESP Exome Variant Server 0.00008; gnomAD 0.00009; gnomAD exomes 0.00010; 1000 Genomes Project 30x 0.00016; 1000 Genomes Project 0.00020.
gnomAD v4.1: 167 of 1,614,104 alleles (0.01%); highest among the groups gnomAD compares: Middle Eastern, 0.066%; no homozygotes.

Submissions (6):

Labcorp Genetics (formerly Invitae), Labcorp
Classification: Uncertain significance for Glycogen storage disease, type V. Last evaluated: 2024-07-04. Review status: criteria provided, single submitter. Criteria: Invitae Variant Classification Sherloc (09022015). Collection method: clinical testing. Allele origin: germline.
Comment: This sequence change replaces asparagine, which is neutral and polar, with serine, which is neutral and polar, at codon 259 of the PYGM protein (p.Asn259Ser). This variant is present in population databases (rs115690781, gnomAD 0.02%). This variant has not been reported in the literature in individuals affected with PYGM-related conditions. ClinVar contains an entry for this variant (Variation ID: 451964). Advanced modeling of protein sequence and biophysical properties (such as structural, functional, and spatial information, amino acid conservation, physicochemical variation, residue mobility, and thermodynamic stability) has been performed at Invitae for this missense variant, however the output from this modeling did not meet the statistical confidence thresholds required to predict the impact of this variant on PYGM protein function. In summary, the available evidence is currently insufficient to determine the role of this variant in disease. Therefore, it has been classified as a Variant of Uncertain Significance.

Revvity Omics, Revvity
Classification: Uncertain significance for Glycogen storage disease, type V. Last evaluated: 2024-06-26. Review status: criteria provided, single submitter. Criteria: ACMG Guidelines, 2015. Collection method: clinical testing. Allele origin: germline.

Fulgent Genetics
Classification: Uncertain significance for Glycogen storage disease, type V. Last evaluated: 2024-03-27. Review status: criteria provided, single submitter. Criteria: ACMG Guidelines, 2015. Collection method: clinical testing. Allele origin: germline.

GeneDx
Classification: Uncertain significance. Last evaluated: 2018-11-27. Review status: criteria provided, single submitter. Criteria: GeneDx Variant Classification (06012015). Collection method: clinical testing. Allele origin: germline. Affected: yes.
Comment: The N259S variant has not been published as a pathogenic variant, nor has it been reported as a benign variant to our knowledge. The N259S variant is observed in 23/126682 (0.02%) alleles from individuals of European background (Lek et al., 2016). The N259S variant is a conservative amino acid substitution, which is not likely to impact secondary protein structure as these residues share similar properties. However, in-silico analyses, including protein predictors and evolutionary conservation, support a deleterious effect. Therefore, based on the currently available information, it is unclear whether this variant is a pathogenic variant or a rare benign variant.

Illumina Laboratory Services, Illumina
Classification: Uncertain significance for Glycogen storage disease, type V. Last evaluated: 2018-01-13. Review status: criteria provided, single submitter. Criteria: ICSL Variant Classification Criteria 13 December 2019. Collection method: clinical testing. Allele origin: germline.

Natera, Inc.
Classification: Uncertain significance for Glycogen storage disease V. Last evaluated: 2020-04-14. Review status: no assertion criteria provided. Collection method: clinical testing. Allele origin: germline. Not counted in ClinVar's aggregate classification.